The following is an entry in ClinVar:

ClinVar aggregate classification (germline): Uncertain significance (1 of 4 stars; one submission).

Conditions:
Hereditary cancer-predisposing syndrome. Also called: Tumor predisposition; Hereditary neoplastic syndrome; Hereditary Cancer Syndrome; Neoplastic Syndromes, Hereditary. Identifiers: Orphanet 140162, MedGen C0027672, MeSH D009386, MONDO:0015356.

Submission:

Ambry Genetics
Classification: Uncertain significance for Hereditary cancer-predisposing syndrome. Last evaluated: 2025-05-19. Review status: criteria provided, single submitter. Criteria: Ambry Variant Classification Scheme 2023. Collection method: clinical testing. Allele origin: germline.
Comment: The p.V410L variant (also known as c.1228G>C), located in coding exon 8 of the ATM gene, results from a G to C substitution at nucleotide position 1228. The valine at codon 410 is replaced by leucine, an amino acid with highly similar properties. This amino acid position is conserved. In addition, this alteration is predicted to be tolerated by in silico analysis. Based on the available evidence, the clinical significance of this variant remains unclear.

NM_000051.4(ATM):c.1228G>C (p.Val410Leu)

Gene: ATM (ATM serine/threonine kinase; plus strand). Cytogenetic location: 11q22.3.
Variant type: single nucleotide variant.
Coding change: c.1228G>C on transcript NM_000051.4 (MANE Select); coding-DNA position 1228, G replaced by C.
Protein change: p.Val410Leu; replaces valine 410 with leucine.
Molecular consequence: missense variant.
Genome position (GRCh38, 1-based): chr11:108,249,095, G>C. VCF-style: chr11-108249095-G-C. GRCh37 (hg19) VCF-style: chr11-108119822-G-C.
Other names: c.1228G>C, p.Val410Leu (NM_001351834.2); short protein forms V410L.
Identifiers: ClinVar variation 3967210 (VCV003967210.1).